The following is an entry in ClinVar:

NM_001128159.3(VPS53):c.950C>T (p.Ala317Val)

Gene: VPS53 (VPS53 subunit of GARP complex; minus strand). Cytogenetic location: 17p13.3.
Variant type: single nucleotide variant.
Coding change: c.950C>T on transcript NM_001128159.3 (MANE Select); coding-DNA position 950, C replaced by T.
Protein change: p.Ala317Val; replaces alanine 317 with valine.
Molecular consequence: missense variant.
Genome position (GRCh38, 1-based): chr17:627,198, G>A on the plus strand (C>T on the coding strand, the complement: VPS53 is on the minus strand). VCF-style: chr17-627198-G-A. GRCh37 (hg19) VCF-style: chr17-530438-G-A.
Other names: c.950C>T, p.Ala317Val (NM_001366253.2); c.356C>T, p.Ala119Val (NM_001366254.2); c.863C>T, p.Ala288Val (NM_018289.4); short protein forms A119V, A288V, A317V.
Identifiers: ClinVar variation 1302461 (VCV001302461.2), dbSNP rs376544966, ClinGen allele CA8261609.

ClinVar aggregate classification (germline): Uncertain significance (1 of 4 stars; one submission).

Allele frequency attached by ClinVar (database versions not stated): gnomAD 0.00006; ESP Exome Variant Server 0.00008; ExAC 0.00012.

Submission:

GeneDx
Classification: Uncertain significance. Last evaluated: 2021-03-02. Review status: criteria provided, single submitter. Criteria: GeneDx Variant Classification Process June 2021. Collection method: clinical testing. Allele origin: germline. Affected: yes.
Comment: In silico analysis supports that this missense variant has a deleterious effect on protein structure/function; Has not been previously published as pathogenic or benign to our knowledge